The following is an entry in ClinVar:

ClinVar aggregate classification (germline): Pathogenic (1 of 4 stars; one submission).

Conditions:
Peroxisome biogenesis disorder. Identifiers: Orphanet 79189, MedGen C1832200, MONDO:0019234. Disease mechanism: loss of function.

Submission:

Myriad Genetics, Inc.
Classification: Pathogenic for Peroxisome biogenesis disorder. Last evaluated: 2025-03-14. Review status: criteria provided, single submitter. Criteria: Myriad Autosomal Dominant, Autosomal Recessive and X-Linked Classification Criteria (2023). Collection method: clinical testing. Allele origin: unknown.
Comment: NM_000466.2(PEX1):c.3294delA(D1099Mfs*6) is expected to be pathogenic in the context of peroxisome biogenesis disorder type 1. This variant is predicted to lead to an abnormal or absent protein product due to the creation of a premature termination codon in PEX1, a gene where loss-of-function variants are known to be pathogenic. Please note: this variant was assessed in the context of healthy population screening.

NM_000466.3(PEX1):c.3294del (p.Asp1099fs)

Genes: GATAD1 (GATA zinc finger domain containing 1; plus strand), PEX1 (peroxisomal biogenesis factor 1; minus strand). Cytogenetic location: 7q21.2.
Variant type: Deletion.
Coding change: c.3294del on transcript NM_000466.3 (MANE Select); coding-DNA position 3294, one base deleted (A; older notation c.3294delA).
Protein change: p.Asp1099fs; shifts the reading frame from aspartic acid 1099.
Molecular consequence: frameshift variant.
Genome position (GRCh38, 1-based): chr7:92,491,416, T deleted on the plus strand (A on the coding strand, the reverse complement: PEX1 is on the minus strand). VCF-style (leftmost placement, unchanged base first): chr7-92491415-CT-C. GRCh37 (hg19) VCF-style: chr7-92120729-CT-C.
Other names: c.3123del, p.Asp1042fs (NM_001282677.2); c.2670del, p.Asp891fs (NM_001282678.2); short protein forms D1042fs, D1099fs, D891fs.
Identifiers: ClinVar variation 5014218 (VCV005014218.1).
Genomic context (GRCh38, chr7:92,491,415, plus strand): 5'-CTGGAAGGATCTCGGACATCTCTAAAGAAACAAGGGACTGATCTAAGCCACATTCTCCAT[CT>C]CCAGCTGAATCGTCAGAGCCACTGCTATGGTTAAGAAAGACCATTGAAGACAGACTTAGG-3'